The following is an entry in ClinVar:

ClinVar aggregate classification (germline): Benign/Likely benign. Review status: criteria provided, multiple submitters, no conflicts (2 of 4 stars). 5 submissions from 5 submitters: Benign (1); Likely benign (4). Last evaluated 2025-06-06.

Conditions:
Tuberous sclerosis 2 (TSC2). Identifiers: Orphanet 805, MedGen C1860707, MONDO:0013199, OMIM 613254.
Hereditary cancer-predisposing syndrome. Also called: Neoplastic Syndromes, Hereditary; Hereditary Cancer Syndrome; Tumor predisposition; Hereditary neoplastic syndrome. Identifiers: Orphanet 140162, MedGen C0027672, MeSH D009386, MONDO:0015356.
Tuberous sclerosis syndrome (TSC). Also called: Tuberous Sclerosis Complex; Tuberous sclerosis. Identifiers: Orphanet 805, MedGen C0041341, MONDO:0001734.

Submissions (5):

Myriad Genetics, Inc.
Classification: Benign for Tuberous sclerosis 2. Last evaluated: 2025-06-06. Review status: criteria provided, single submitter. Criteria: Myriad Autosomal Dominant, Autosomal Recessive and X-Linked Classification Criteria (2023). Collection method: clinical testing. Allele origin: unknown.
Comment: This variant is considered benign. This variant is a silent/synonymous amino acid change and it is not expected to impact splicing.

Labcorp Genetics (formerly Invitae), Labcorp
Classification: Likely benign for Tuberous sclerosis 2. Last evaluated: 2024-09-16. Review status: criteria provided, single submitter. Criteria: Invitae Variant Classification Sherloc (09022015). Collection method: clinical testing. Allele origin: germline.

Ambry Genetics
Classification: Likely benign for Hereditary cancer-predisposing syndrome. Last evaluated: 2024-09-09. Review status: criteria provided, single submitter. Criteria: Ambry Variant Classification Scheme 2023. Collection method: clinical testing. Allele origin: germline.

All of Us Research Program, National Institutes of Health
Classification: Likely benign for Tuberous sclerosis syndrome. Last evaluated: 2023-12-18. Review status: criteria provided, single submitter. Criteria: ACMG Guidelines, 2015. Collection method: clinical testing. Allele origin: germline. Inheritance: Autosomal dominant inheritance. Observed: 1 variant allele, 1 heterozygote.
Comment: This study involves interpretation of variants in research participants for the purpose of population health screening. Participant phenotype was not available at the time of variant classification. Additional details can be found in publication PMID: 35346344, PMCID: PMC8962531

Blueprint Genetics
Classification: Likely benign. Last evaluated: 2023-06-14. Review status: criteria provided, single submitter. Criteria: ACMG Guidelines, 2015. Collection method: clinical testing. Allele origin: germline.

NM_000548.5(TSC2):c.5100C>T (p.Ala1700=)

Gene: TSC2 (TSC complex subunit 2; plus strand). Cytogenetic location: 16p13.3.
Variant type: single nucleotide variant.
Coding change: c.5100C>T on transcript NM_000548.5 (MANE Select); coding-DNA position 5100, C replaced by T.
Protein change: p.Ala1700=; no amino-acid change (alanine 1700 retained).
Molecular consequence: synonymous variant.
Genome position (GRCh38, 1-based): chr16:2,088,079, C>T. VCF-style: chr16-2088079-C-T. GRCh37 (hg19) VCF-style: chr16-2138080-C-T.
Other names: c.4899C>T, p.Ala1633= (NM_001077183.3); c.5031C>T, p.Ala1677= (NM_001114382.3); c.4791C>T, p.Ala1597= (NM_001318827.2); c.4755C>T, p.Ala1585= (NM_001318829.2); c.4368C>T, p.Ala1456= (NM_001318831.2); c.4932C>T, p.Ala1644= (NM_001318832.2); c.4902C>T, p.Ala1634= (NM_001363528.2); c.4968C>T, p.Ala1656= (NM_001370404.1); and 1 more.
Identifiers: ClinVar variation 738550 (VCV000738550.13), dbSNP rs1172938826, ClinGen allele CA493043645.